The following is an entry in ClinVar:

NM_001042492.3(NF1):c.1080_1081del (p.Pro360_Ser361insTer)

Gene: NF1 (neurofibromin 1; plus strand). Cytogenetic location: 17q11.2.
Variant type: Deletion.
Coding change: c.1080_1081del on transcript NM_001042492.3 (MANE Select); coding-DNA positions 1080 to 1081, 2 bases deleted (AA; older notation c.1080_1081delAA).
Protein change: p.Pro360_Ser361insTer.
Molecular consequence: frameshift variant. On other transcripts: nonsense (1).
Genome position (GRCh38, 1-based): chr17:31,201,054-31,201,055, AA deleted. VCF-style (leftmost placement, unchanged base first): chr17-31201053-CAA-C. GRCh37 (hg19) VCF-style: chr17-29528071-CAA-C.
Other names: c.1080_1081delAA, p.Ser361Terfs (NM_000267.4); c.1080_1081del, p.Pro360_Ser361insTer (NM_001128147.3).
Identifiers: ClinVar variation 2018064 (VCV002018064.4), dbSNP rs2544796789, ClinGen allele CA2580092894.

ClinVar aggregate classification (germline): Pathogenic (1 of 4 stars; one submission).

Conditions:
Neurofibromatosis, type 1 (NF1). Also called: NEUROFIBROMATOSIS, TYPE I, SOMATIC; Neurofibromatosis, type I; Peripheral type neurofibromatosis; VON RECKLINGHAUSEN DISEASE. Identifiers: Orphanet 636, MedGen C0027831, MONDO:0018975, OMIM 162200. Disease mechanism: loss of function.

Submission:

Labcorp Genetics (formerly Invitae), Labcorp
Classification: Pathogenic for Neurofibromatosis, type 1. Last evaluated: 2022-07-19. Review status: criteria provided, single submitter. Criteria: Invitae Variant Classification Sherloc (09022015). Collection method: clinical testing. Allele origin: germline.
Comment: For these reasons, this variant has been classified as Pathogenic. This variant has not been reported in the literature in individuals affected with NF1-related conditions. This variant is not present in population databases (gnomAD no frequency). This sequence change creates a premature translational stop signal (p.Ser361*) in the NF1 gene. It is expected to result in an absent or disrupted protein product. Loss-of-function variants in NF1 are known to be pathogenic (PMID: 10712197, 23913538).

Literature cited by the submitters: PubMed 10712197; PubMed 23913538.